The following is an entry in ClinVar:

NM_003640.5(ELP1):c.3222+115A>G

Gene: ELP1 (elongator acetyltransferase complex subunit 1; minus strand). Cytogenetic location: 9q31.3.
Variant type: single nucleotide variant.
Coding change: c.3222+115A>G on transcript NM_003640.5 (MANE Select); 115 bases into the intron after coding-DNA position 3222, A replaced by G.
Molecular consequence: intron variant.
Genome position (GRCh38, 1-based): chr9:108,889,217, T>C on the plus strand (A>G on the coding strand, the complement: ELP1 is on the minus strand). VCF-style: chr9-108889217-T-C. GRCh37 (hg19) VCF-style: chr9-111651497-T-C.
Other names: NC_000009.11:g.111651497T>C; c.2880+115A>G (NM_001318360.2); c.2175+115A>G (NM_001330749.2).
Identifiers: ClinVar variation 681921 (VCV000681921.6), dbSNP rs3780508, ClinGen allele CA197528255.
Genomic context (GRCh38, chr9:108,889,217, plus strand): 5'-GATGTACTAAATTTAGATTTCCAAGTCAAGCCAGCAAGATAAGACCTCTGGGGCAAACAC[T>C]ATCTCTGGACTTAACAATTATGCACAGTTCCTTTAACTTTCATGATCACTAAGATACAAT-3'

ClinVar aggregate classification (germline): Benign. Review status: criteria provided, multiple submitters, no conflicts (2 of 4 stars). 3 submissions from 3 submitters: Benign (3). Last evaluated 2021-07-01.

Conditions:
Familial dysautonomia. Also called: HSAN III; FD. Identifiers: Orphanet 1764, MedGen C0013364, MONDO:0009131, OMIM 223900. Disease mechanism: loss of function.

Allele frequency attached by ClinVar (database versions not stated): gnomAD exomes 0.12269; gnomAD 0.18033 and 0.18538; 1000 Genomes Project 0.18490; 1000 Genomes Project 30x 0.19207; TOPMed 0.19303.
gnomAD v4.1: 129,070 of 982,022 alleles (13%); highest among the groups gnomAD compares: African/African-American, 33%; 10,627 homozygotes.

Submissions (8):

Genome-Nilou Lab
Classification: Benign for Familial dysautonomia. Last evaluated: 2021-07-01. Review status: criteria provided, single submitter. Criteria: ACMG Guidelines, 2015. Collection method: clinical testing. Allele origin: germline. Affected: no.

GeneDx
Classification: Benign. Last evaluated: 2018-06-14. Review status: criteria provided, single submitter. Criteria: GeneDx Variant Classification (06012015). Collection method: clinical testing. Allele origin: germline. Affected: yes.
Comment: This variant is considered likely benign or benign based on one or more of the following criteria: it is a conservative change, it occurs at a poorly conserved position in the protein, it is predicted to be benign by multiple in silico algorithms, and/or has population frequency not consistent with disease.

Breakthrough Genomics
Classification: Benign. Review status: criteria provided, single submitter. Criteria: ACMG Guidelines, 2015. Collection method: not provided. Allele origin: germline. Inheritance: Autosomal recessive inheritance. Affected: yes.

Dr. Peter K. Rogan Lab, Western University
No classification provided (evidence only). Condition: Cholangiocarcinoma. Review status: no classification provided. Collection method: in vitro. Allele origin: not applicable. Functional consequence: retained intron. Not counted in ClinVar's aggregate classification.

Dr. Peter K. Rogan Lab, Western University
No classification provided (evidence only). Condition: Cholangiocarcinoma. Review status: no classification provided. Collection method: in vitro. Allele origin: not applicable. Functional consequence: retained intron. Not counted in ClinVar's aggregate classification.

Dr. Peter K. Rogan Lab, Western University
No classification provided (evidence only). Condition: Cholangiocarcinoma. Review status: no classification provided. Collection method: in vitro. Allele origin: not applicable. Functional consequence: retained intron. Not counted in ClinVar's aggregate classification.

Dr. Peter K. Rogan Lab, Western University
No classification provided (evidence only). Condition: Uterine carcinosarcoma. Review status: no classification provided. Collection method: in vitro. Allele origin: not applicable. Functional consequence: retained intron. Not counted in ClinVar's aggregate classification.

Dr. Peter K. Rogan Lab, Western University
No classification provided (evidence only). Condition: Uterine carcinosarcoma. Review status: no classification provided. Collection method: in vitro. Allele origin: not applicable. Functional consequence: retained intron. Not counted in ClinVar's aggregate classification.